The following is an entry in ClinVar:

NM_032634.4(PIGO):c.23T>C (p.Leu8Pro)

Gene: PIGO (phosphatidylinositol glycan anchor biosynthesis class O; minus strand). Cytogenetic location: 9p13.3.
Variant type: single nucleotide variant.
Coding change: c.23T>C on transcript NM_032634.4 (MANE Select); coding-DNA position 23, T replaced by C.
Protein change: p.Leu8Pro; replaces leucine 8 with proline.
Molecular consequence: missense variant.
Genome position (GRCh38, 1-based): chr9:35,095,543, A>G on the plus strand (T>C on the coding strand, the complement: PIGO is on the minus strand). VCF-style: chr9-35095543-A-G. GRCh37 (hg19) VCF-style: chr9-35095540-A-G.
Other names: c.23T>C, p.Leu8Pro (NM_001201484.2, NM_152850.4); short protein forms L8P.
Identifiers: ClinVar variation 644975 (VCV000644975.6), dbSNP rs755191263, ClinGen allele CA5041021.
Genomic context (GRCh38, chr9:35,095,543, plus strand): 5'-AAGCCACTGGTGAAGAGGGCAATGCCAGCGTAGAAGAGGAAGCAGACCCAGGCCAGGAAG[A>G]GCAACACTGAGGCTTTCTGCATCCTGATAGGGGTGGGGAAGTAAATTCATTACTGTGGGG-3'
Protein context (NP_116023.2, residues 1-18): MQKASVL[Leu8Pro]FLAWVCFLFY

ClinVar aggregate classification (germline): Uncertain significance (1 of 4 stars; one submission).

Conditions:
Hyperphosphatasia with impaired intellectual development syndrome 2. Also called: Hyperphosphatasia with intellectual disability syndrome 2; GLYCOSYLPHOSPHATIDYLINOSITOL BIOSYNTHESIS DEFECT 6. Identifiers: Orphanet 247262, MedGen C3553637, MONDO:0013882, OMIM 614749.

Allele frequency attached by ClinVar (database versions not stated): gnomAD below 0.00001 and 0.00001; ExAC 0.00004; gnomAD exomes 0.00001 and 0.00003.
gnomAD v4.1: 19 of 1,586,194 alleles (0.0012%); highest among the groups gnomAD compares: South Asian, 0.017%; no homozygotes.

Submission:

Labcorp Genetics (formerly Invitae), Labcorp
Classification: Uncertain significance for Hyperphosphatasia with impaired intellectual development syndrome 2. Last evaluated: 2022-06-14. Review status: criteria provided, single submitter. Criteria: Invitae Variant Classification Sherloc (09022015). Collection method: clinical testing. Allele origin: germline.
Comment: This sequence change replaces leucine, which is neutral and non-polar, with proline, which is neutral and non-polar, at codon 8 of the PIGO protein (p.Leu8Pro). This variant is present in population databases (rs755191263, gnomAD 0.02%). This variant has not been reported in the literature in individuals affected with PIGO-related conditions. ClinVar contains an entry for this variant (Variation ID: 644975). Algorithms developed to predict the effect of missense changes on protein structure and function are either unavailable or do not agree on the potential impact of this missense change (SIFT: "Deleterious"; PolyPhen-2: "Possibly Damaging"; Align-GVGD: "Class C15"). In summary, the available evidence is currently insufficient to determine the role of this variant in disease. Therefore, it has been classified as a Variant of Uncertain Significance.